The following is an entry in ClinVar:

ClinVar aggregate classification (germline): Uncertain significance (1 of 4 stars; one submission).

Conditions:
Dyskeratosis congenita, autosomal recessive 6 (DKCB6). Identifiers: MedGen C4225356, MONDO:0014600, OMIM 616353.
Pulmonary fibrosis and/or bone marrow failure, Telomere-related, 4. Also called: PULMONARY FIBROSIS AND/OR BONE MARROW FAILURE SYNDROME, TELOMERE-RELATED, 4. Identifiers: Orphanet 2032, MedGen C4225347, MONDO:0014612, OMIM 616371.

Allele frequency attached by ClinVar (database versions not stated): gnomAD exomes 0.00001.
gnomAD v4.1: 6 of 1,537,636 alleles (0.00039%); highest among the groups gnomAD compares: Non-Finnish European, 0.00053%; no homozygotes.

Submission:

Labcorp Genetics (formerly Invitae), Labcorp
Classification: Uncertain significance for Dyskeratosis congenita, autosomal recessive 6; Pulmonary fibrosis and/or bone marrow failure, Telomere-related, 4. Last evaluated: 2024-02-23. Review status: criteria provided, single submitter. Criteria: Invitae Variant Classification Sherloc (09022015). Collection method: clinical testing. Allele origin: germline.
Comment: This sequence change replaces tryptophan, which is neutral and slightly polar, with glycine, which is neutral and non-polar, at codon 219 of the PARN protein (p.Trp219Gly). This variant is not present in population databases (gnomAD no frequency). This variant has not been reported in the literature in individuals affected with PARN-related conditions. ClinVar contains an entry for this variant (Variation ID: 956362). Advanced modeling of protein sequence and biophysical properties (such as structural, functional, and spatial information, amino acid conservation, physicochemical variation, residue mobility, and thermodynamic stability) performed at Invitae indicates that this missense variant is not expected to disrupt PARN protein function with a negative predictive value of 80%. In summary, the available evidence is currently insufficient to determine the role of this variant in disease. Therefore, it has been classified as a Variant of Uncertain Significance.

NM_002582.4(PARN):c.655T>G (p.Trp219Gly)

Gene: PARN (poly(A)-specific ribonuclease; minus strand). Cytogenetic location: 16p13.12.
Variant type: single nucleotide variant.
Coding change: c.655T>G on transcript NM_002582.4 (MANE Select); coding-DNA position 655, T replaced by G.
Protein change: p.Trp219Gly; replaces tryptophan 219 with glycine.
Molecular consequence: missense variant.
Genome position (GRCh38, 1-based): chr16:14,608,285, A>C on the plus strand (T>G on the coding strand, the complement: PARN is on the minus strand). VCF-style: chr16-14608285-A-C. GRCh37 (hg19) VCF-style: chr16-14702142-A-C.
Other names: c.472T>G, p.Trp158Gly (NM_001134477.3); c.517T>G, p.Trp173Gly (NM_001242992.2); short protein forms W158G, W173G, W219G.
Identifiers: ClinVar variation 956362 (VCV000956362.10), dbSNP rs1971316192, ClinGen allele CA394808574.